The following is an entry in ClinVar:

ClinVar aggregate classification (germline): Uncertain significance (1 of 4 stars; one submission).

gnomAD v4.1: 7 of 1,554,100 alleles (0.00045%); highest among the groups gnomAD compares: Non-Finnish European, 0.00026%; no homozygotes.

Submission:

Labcorp Genetics (formerly Invitae), Labcorp
Classification: Uncertain significance. Last evaluated: 2024-01-24. Review status: criteria provided, single submitter. Criteria: Invitae Variant Classification Sherloc (09022015). Collection method: clinical testing. Allele origin: germline.
Comment: This sequence change replaces lysine, which is basic and polar, with asparagine, which is neutral and polar, at codon 98 of the UBE3B protein (p.Lys98Asn). This variant is present in population databases (no rsID available, gnomAD 0.002%). This variant has not been reported in the literature in individuals affected with UBE3B-related conditions. ClinVar contains an entry for this variant (Variation ID: 2152587). Advanced modeling of protein sequence and biophysical properties (such as structural, functional, and spatial information, amino acid conservation, physicochemical variation, residue mobility, and thermodynamic stability) performed at Invitae indicates that this missense variant is not expected to disrupt UBE3B protein function with a negative predictive value of 80%. In summary, the available evidence is currently insufficient to determine the role of this variant in disease. Therefore, it has been classified as a Variant of Uncertain Significance.

NM_130466.4(UBE3B):c.294G>T (p.Lys98Asn)

Gene: UBE3B (ubiquitin protein ligase E3B; plus strand). Cytogenetic location: 12q24.11.
Variant type: single nucleotide variant.
Coding change: c.294G>T on transcript NM_130466.4 (MANE Select); coding-DNA position 294, G replaced by T.
Protein change: p.Lys98Asn; replaces lysine 98 with asparagine.
Molecular consequence: missense variant.
Genome position (GRCh38, 1-based): chr12:109,486,023, G>T. VCF-style: chr12-109486023-G-T. GRCh37 (hg19) VCF-style: chr12-109923828-G-T.
Other names: c.294G>T, p.Lys98Asn (NM_001270449.2, NM_001270450.2, NM_001270451.2 and 1 more transcripts); short protein forms K98N.
Identifiers: ClinVar variation 2152587 (VCV002152587.4), dbSNP rs1244553082, ClinGen allele CA386629682.